The following is an entry in ClinVar:

NM_002439.5(MSH3):c.329G>A (p.Gly110Glu)

Gene: MSH3 (mutS homolog 3; plus strand). Cytogenetic location: 5q14.1.
Variant type: single nucleotide variant.
Coding change: c.329G>A on transcript NM_002439.5 (MANE Select); coding-DNA position 329, G replaced by A.
Protein change: p.Gly110Glu; replaces glycine 110 with glutamic acid.
Molecular consequence: missense variant.
Genome position (GRCh38, 1-based): chr5:80,656,502, G>A. VCF-style: chr5-80656502-G-A. GRCh37 (hg19) VCF-style: chr5-79952321-G-A.
Other names: short protein forms G110E.
Identifiers: ClinVar variation 823492 (VCV000823492.7), dbSNP rs987869162, ClinGen allele CA360266479.

ClinVar aggregate classification (germline): Uncertain significance. Review status: criteria provided, multiple submitters, no conflicts (2 of 4 stars). 2 submissions from 2 submitters: Uncertain significance (2). Last evaluated 2024-01-18.

Conditions:
Hereditary cancer-predisposing syndrome. Also called: Tumor predisposition; Hereditary Cancer Syndrome; Neoplastic Syndromes, Hereditary; Hereditary neoplastic syndrome. Identifiers: Orphanet 140162, MedGen C0027672, MeSH D009386, MONDO:0015356.

Allele frequency attached by ClinVar (database versions not stated): gnomAD exomes below 0.00001.
gnomAD v4.1: 1 of 1,614,232 alleles (0.000062%); highest among the groups gnomAD compares: Non-Finnish European, 0.000085%; no homozygotes.

Submissions (2):

Labcorp Genetics (formerly Invitae), Labcorp
Classification: Uncertain significance. Last evaluated: 2024-01-18. Review status: criteria provided, single submitter. Criteria: Invitae Variant Classification Sherloc (09022015). Collection method: clinical testing. Allele origin: germline.
Comment: This sequence change replaces glycine, which is neutral and non-polar, with glutamic acid, which is acidic and polar, at codon 110 of the MSH3 protein (p.Gly110Glu). This variant is present in population databases (no rsID available, gnomAD 0.0009%). This variant has not been reported in the literature in individuals affected with MSH3-related conditions. ClinVar contains an entry for this variant (Variation ID: 823492). Algorithms developed to predict the effect of missense changes on protein structure and function output the following: SIFT: "Not Available"; PolyPhen-2: "Benign"; Align-GVGD: "Not Available". The glutamic acid amino acid residue is found in multiple mammalian species, which suggests that this missense change does not adversely affect protein function. In summary, the available evidence is currently insufficient to determine the role of this variant in disease. Therefore, it has been classified as a Variant of Uncertain Significance.

Ambry Genetics
Classification: Uncertain significance for Hereditary cancer-predisposing syndrome. Last evaluated: 2019-09-18. Review status: criteria provided, single submitter. Criteria: Ambry Variant Classification Scheme 2023. Collection method: clinical testing. Allele origin: germline.
Comment: The p.G110E variant (also known as c.329G>A), located in coding exon 2 of the MSH3 gene, results from a G to A substitution at nucleotide position 329. The glycine at codon 110 is replaced by glutamic acid, an amino acid with similar properties. This amino acid position is poorly conserved in available vertebrate species. In addition, this alteration is predicted to be tolerated by in silico analysis. Since supporting evidence is limited at this time, the clinical significance of this alteration remains unclear.